The following is an entry in ClinVar:

NM_015488.5(PNKD):c.973C>T (p.Arg325Cys)

Genes: CATIP-AS2 (CATIP antisense RNA 2; minus strand), PNKD (PNKD metallo-beta-lactamase domain containing; plus strand). Cytogenetic location: 2q35.
Variant type: single nucleotide variant.
Coding change: c.973C>T on transcript NM_015488.5 (MANE Select); coding-DNA position 973, C replaced by T.
Protein change: p.Arg325Cys; replaces arginine 325 with cysteine.
Molecular consequence: missense variant.
Genome position (GRCh38, 1-based): chr2:218,344,559, C>T. VCF-style: chr2-218344559-C-T. GRCh37 (hg19) VCF-style: chr2-219209282-C-T.
Other names: c.901C>T, p.Arg301Cys (NM_022572.5); short protein forms R325C, R301C.
Identifiers: ClinVar variation 241062 (VCV000241062.11), dbSNP rs149750691, ClinGen allele CA2104166.
Genomic context (GRCh38, chr2:218,344,559, plus strand): 5'-GAGCCCGAGAACCTGGCCCGGGAGAGGAAGATGCAGTGGGTGCAGCGGCAGCGGCTGGAG[C>T]GCAAGGGCACGGTGAGGGACTCGGGGTCCAGGAGGAGCTGTGTGGGCAGGCACTCAGCCC-3'
Protein context (NP_056303.3, residues 315-335): MQWVQRQRLE[Arg325Cys]KGTCPSTLGE

ClinVar aggregate classification (germline): Uncertain significance. Review status: criteria provided, multiple submitters, no conflicts (2 of 4 stars). 2 submissions from 2 submitters: Uncertain significance (2). Last evaluated 2026-01-26.

Conditions:
Paroxysmal nonkinesigenic dyskinesia. Also called: Paroxysmal non-kinesigenic dyskinesia. Identifiers: Orphanet 98810, MedGen C1869117, MONDO:0700088.
Inborn genetic diseases. Identifiers: MedGen C0950123, MeSH D030342.

Allele frequency attached by ClinVar (database versions not stated): gnomAD exomes 0.00002 and 0.00004; gnomAD 0.00005 and 0.00006; TOPMed 0.00006; ESP Exome Variant Server 0.00008; ExAC 0.00009.
gnomAD v4.1: 43 of 1,587,104 alleles (0.0027%); highest among the groups gnomAD compares: East Asian, 0.014%; no homozygotes.

Submissions (2):

Labcorp Genetics (formerly Invitae), Labcorp
Classification: Uncertain significance for Paroxysmal nonkinesigenic dyskinesia. Last evaluated: 2026-01-26. Review status: criteria provided, single submitter. Criteria: Invitae Variant Classification Sherloc (09022015). Collection method: clinical testing. Allele origin: germline.
Comment: This sequence change replaces arginine, which is basic and polar, with cysteine, which is neutral and slightly polar, at codon 325 of the PNKD protein (p.Arg325Cys). This variant is present in population databases (rs149750691, gnomAD 0.03%). This variant has not been reported in the literature in individuals affected with PNKD-related conditions. ClinVar contains an entry for this variant (Variation ID: 241062). Invitae Evidence Modeling of protein sequence and biophysical properties (such as structural, functional, and spatial information, amino acid conservation, physicochemical variation, residue mobility, and thermodynamic stability) indicates that this missense variant is not expected to disrupt PNKD protein function with a negative predictive value of 80%. In summary, the available evidence is currently insufficient to determine the role of this variant in disease. Therefore, it has been classified as a Variant of Uncertain Significance.

Ambry Genetics
Classification: Uncertain significance for Inborn genetic diseases. Last evaluated: 2021-07-06. Review status: criteria provided, single submitter. Criteria: Ambry Variant Classification Scheme 2023. Collection method: clinical testing. Allele origin: germline.